The following is an entry in ClinVar:

ClinVar aggregate classification (germline): Uncertain significance. Review status: criteria provided, multiple submitters, no conflicts (2 of 4 stars). 4 submissions from 4 submitters: Uncertain significance (3). 1 of the submissions does not count toward it. Last evaluated 2023-12-28.

Conditions:
CEP164-related disorder. Also called: CEP164-related condition.
Inborn genetic diseases. Identifiers: MedGen C0950123, MeSH D030342.
Nephronophthisis 15 (NPHP15). Identifiers: Orphanet 3156, MedGen C3541853, MONDO:0013917, OMIM 614845.

Allele frequency attached by ClinVar (database versions not stated): TOPMed 0.00005; 1000 Genomes Project 30x 0.00016; gnomAD 0.00004.
gnomAD v4.1: 53 of 1,614,190 alleles (0.0033%); highest among the groups gnomAD compares: African/African-American, 0.015%; no homozygotes.

Submissions (4):

Ambry Genetics
Classification: Uncertain significance for Inborn genetic diseases. Last evaluated: 2023-12-28. Review status: criteria provided, single submitter. Criteria: Ambry Variant Classification Scheme 2023. Collection method: clinical testing. Allele origin: germline.

Labcorp Genetics (formerly Invitae), Labcorp
Classification: Uncertain significance for Nephronophthisis 15. Last evaluated: 2022-10-28. Review status: criteria provided, single submitter. Criteria: Invitae Variant Classification Sherloc (09022015). Collection method: clinical testing. Allele origin: germline.
Comment: This sequence change replaces alanine, which is neutral and non-polar, with threonine, which is neutral and polar, at codon 952 of the CEP164 protein (p.Ala952Thr). This variant is present in population databases (rs773981726, gnomAD 0.02%). This variant has not been reported in the literature in individuals affected with CEP164-related conditions. ClinVar contains an entry for this variant (Variation ID: 1477443). Advanced modeling of protein sequence and biophysical properties (such as structural, functional, and spatial information, amino acid conservation, physicochemical variation, residue mobility, and thermodynamic stability) performed at Invitae indicates that this missense variant is not expected to disrupt CEP164 protein function. In summary, the available evidence is currently insufficient to determine the role of this variant in disease. Therefore, it has been classified as a Variant of Uncertain Significance.

Fulgent Genetics
Classification: Uncertain significance for Nephronophthisis 15. Last evaluated: 2021-12-10. Review status: criteria provided, single submitter. Criteria: ACMG Guidelines, 2015. Collection method: clinical testing. Allele origin: unknown.

PreventionGenetics, part of Exact Sciences
Classification: Uncertain significance for CEP164-related condition. Last evaluated: 2024-08-07. Review status: no assertion criteria provided. Collection method: clinical testing. Allele origin: germline. Not counted in ClinVar's aggregate classification.
Comment: The CEP164 c.2854G>A variant is predicted to result in the amino acid substitution p.Ala952Thr. To our knowledge, this variant has not been reported in the literature. This variant is reported in 0.018% of alleles in individuals of African descent in gnomAD). At this time, the clinical significance of this variant is uncertain due to the absence of conclusive functional and genetic evidence.

NM_014956.5(CEP164):c.2854G>A (p.Ala952Thr)

Gene: CEP164 (centrosomal protein 164; plus strand). Cytogenetic location: 11q23.3.
Variant type: single nucleotide variant.
Coding change: c.2854G>A on transcript NM_014956.5 (MANE Select); coding-DNA position 2854, G replaced by A.
Protein change: p.Ala952Thr; replaces alanine 952 with threonine.
Molecular consequence: missense variant.
Genome position (GRCh38, 1-based): chr11:117,395,132, G>A. VCF-style: chr11-117395132-G-A. GRCh37 (hg19) VCF-style: chr11-117265848-G-A.
Other names: c.2863G>A, p.Ala955Thr (NM_001271933.2); c.2854G>A (NM_014956.4); short protein forms A955T, A952T.
Identifiers: ClinVar variation 1477443 (VCV001477443.8), dbSNP rs773981726, ClinGen allele CA6295252.